The following is an entry in ClinVar:

ClinVar aggregate classification (germline): Uncertain significance (1 of 4 stars; one submission).

Conditions:
Developmental and epileptic encephalopathy 92. Also called: EPILEPTIC ENCEPHALOPATHY, INFANTILE OR EARLY CHILDHOOD, 2. Identifiers: MedGen C4693362, MONDO:0020631, OMIM 617829.

Submission:

Victorian Clinical Genetics Services, Murdoch Childrens Research Institute
Classification: Uncertain significance for Developmental and epileptic encephalopathy 92. Last evaluated: 2020-05-21. Review status: criteria provided, single submitter. Criteria: ACMG Guidelines, 2015. Collection method: clinical testing. Allele origin: germline. Inheritance: Autosomal dominant inheritance. Affected: yes.
Comment: Based on the classification scheme VCGS_Germline_v1.1.1, this variant is classified as 3A-VUS. Following criteria are met: 0104 - Dominant Negative is a mechanism of disease for this gene. (N) 0107 - This gene is known to be associated with autosomal dominant disease. (N) 0200 - Variant is predicted to result in a missense amino acid change from leucine to proline (exon 8). (N) 0251 - Variant is heterozygous. (N) 0301 - Variant is absent from gnomAD. (P) 0501 - Missense variant consistently predicted to be damaging by multiple in silico tools or highly conserved with a major amino acid change. (P) 0602 - Variant is located in a hotspot region or cluster of pathogenic variants. (PMID: 29100083) (P) 0705 - No comparable variants have previous evidence for pathogenicity. (N) 0807 - Variant has not previously been reported in a clinical context. (N) 0905 - No segregation evidence has been identified for this variant. (N) 1007 - No published functional evidence has been identified for this variant. (N) 1208 - Inheritance information for this variant is not currently available. (N) Legend: (P) - Pathogenic, (N) - Neutral, (B) - Benign

Literature cited by the submitters: PubMed 29100083.

NM_001371727.1(GABRB2):c.740T>C (p.Leu247Pro)

Gene: GABRB2 (gamma-aminobutyric acid type A receptor subunit beta2; minus strand). Cytogenetic location: 5q34.
Variant type: single nucleotide variant.
Coding change: c.740T>C on transcript NM_001371727.1 (MANE Select); coding-DNA position 740, T replaced by C.
Protein change: p.Leu247Pro; replaces leucine 247 with proline.
Molecular consequence: missense variant.
Genome position (GRCh38, 1-based): chr5:161,334,844, A>G on the plus strand (T>C on the coding strand, the complement: GABRB2 is on the minus strand). VCF-style: chr5-161334844-A-G. GRCh37 (hg19) VCF-style: chr5-160761851-A-G.
Other names: c.740T>C, p.Leu247Pro (NM_000813.3, NM_021911.3); short protein forms L247P.
Identifiers: ClinVar variation 1806314 (VCV001806314.1), dbSNP rs2546558249, ClinGen allele CA362171672.
Genomic context (GRCh38, chr5:161,334,844, plus strand): 5'-TTAATCCAGAAGGAGACCCAGGAGAGGATGGTAATCAGGATGGAAGGCATGTATGTTTGC[A>G]GGATAAAGTAGCCAATGTTTCTCTTAAGCTTAAAGCTGAGGGATAACCTGGGATAGGAAC-3'
Protein context (NP_001358656.1, residues 237-257): KLKRNIGYFI[Leu247Pro]QTYMPSILIT